The following is an entry in ClinVar:

ClinVar aggregate classification (germline): Benign/Likely benign. Review status: criteria provided, multiple submitters, no conflicts (2 of 4 stars). 4 submissions from 4 submitters: Benign (2); Likely benign (2). Last evaluated 2026-06-01.

Allele frequency attached by ClinVar (database versions not stated): 1000 Genomes Project 30x 0.00062; 1000 Genomes Project 0.00080; gnomAD 0.00150 and 0.00155; ExAC 0.00152; gnomAD exomes 0.00153 and 0.00224; ESP Exome Variant Server 0.00177; TOPMed 0.00179.

Submissions (4):

CeGaT Center for Human Genetics Tuebingen
Classification: Likely benign. Last evaluated: 2026-06-01. Review status: criteria provided, single submitter. Criteria: CeGaT Center For Human Genetics Tuebingen Variant Classification Criteria Version 2. Collection method: clinical testing. Allele origin: germline. Affected: yes. Observed: 20 variant alleles.
Comment: KMT2C: BP4, BP7, BS1

Labcorp Genetics (formerly Invitae), Labcorp
Classification: Benign. Last evaluated: 2026-01-15. Review status: criteria provided, single submitter. Criteria: Invitae Variant Classification Sherloc (09022015). Collection method: clinical testing. Allele origin: germline.

Blueprint Genetics
Classification: Likely benign. Last evaluated: 2024-11-19. Review status: criteria provided, single submitter. Criteria: ACMG Guidelines, 2015. Collection method: clinical testing. Allele origin: germline.

Breakthrough Genomics
Classification: Benign. Review status: criteria provided, single submitter. Criteria: ACMG Guidelines, 2015. Collection method: not provided. Allele origin: germline. Inheritance: Autosomal dominant inheritance. Affected: yes.

NM_170606.3(KMT2C):c.1422T>C (p.Tyr474=)

Gene: KMT2C (lysine methyltransferase 2C; minus strand). Cytogenetic location: 7q36.1.
Variant type: single nucleotide variant.
Coding change: c.1422T>C on transcript NM_170606.3 (MANE Select); coding-DNA position 1422, T replaced by C.
Protein change: p.Tyr474=; no amino-acid change (tyrosine 474 retained).
Molecular consequence: synonymous variant.
Genome position (GRCh38, 1-based): chr7:152,252,593, A>G on the plus strand (T>C on the coding strand, the complement: KMT2C is on the minus strand). VCF-style: chr7-152252593-A-G. GRCh37 (hg19) VCF-style: chr7-151949678-A-G.
Identifiers: ClinVar variation 1621404 (VCV001621404.40), dbSNP rs143564227, ClinGen allele CA4581506.